The following is an entry in ClinVar:

ClinVar aggregate classification (germline): Conflicting classifications of pathogenicity. Review status: criteria provided, conflicting classifications (1 of 4 stars). 2 submissions from 2 submitters: Uncertain significance (1); Likely benign (1). Last evaluated 2025-08-04.

Allele frequency attached by ClinVar (database versions not stated): 1000 Genomes Project below 0.00001; gnomAD exomes 0.00002 and 0.00003; ExAC 0.00003; TOPMed 0.00004; gnomAD 0.00005.
gnomAD v4.1: 35 of 1,613,950 alleles (0.0022%); highest among the groups gnomAD compares: South Asian, 0.024%; no homozygotes.

Submissions (2):

Athena Diagnostics
Classification: Likely benign. Last evaluated: 2025-08-04. Review status: criteria provided, single submitter. Criteria: Athena Diagnostics Criteria. Collection method: clinical testing. Allele origin: unknown.
Comment: Computational tools yielded predictions that this variant is unlikely to have an effect on normal RNA splicing. This nucleotide position exhibits low evolutionary conservation.

Eurofins Ntd Llc (ga)
Classification: Uncertain significance. Last evaluated: 2015-09-01. Review status: criteria provided, single submitter. Criteria: EGL Classification Definitions 2015. Collection method: clinical testing. Allele origin: germline. Observed: 1 variant allele, 1 heterozygote.

NM_182961.4(SYNE1):c.19395A>G (p.Leu6465=)

Gene: SYNE1 (spectrin repeat containing nuclear envelope protein 1; minus strand). Cytogenetic location: 6q25.2.
Variant type: single nucleotide variant.
Coding change: c.19395A>G on transcript NM_182961.4 (MANE Select); coding-DNA position 19395, A replaced by G.
Protein change: p.Leu6465=; no amino-acid change (leucine 6465 retained).
Molecular consequence: synonymous variant.
Genome position (GRCh38, 1-based): chr6:152,254,955, T>C on the plus strand (A>G on the coding strand, the complement: SYNE1 is on the minus strand). VCF-style: chr6-152254955-T-C. GRCh37 (hg19) VCF-style: chr6-152576090-T-C.
Other names: c.19395A>G (NM_182961.2); c.19182A>G, p.Leu6394= (NM_033071.5).
Identifiers: ClinVar variation 283053 (VCV000283053.6), dbSNP rs201913828, ClinGen allele CA4054686.